The following is an entry in ClinVar:

ClinVar aggregate classification (germline): Conflicting classifications of pathogenicity. Review status: criteria provided, conflicting classifications (1 of 4 stars). 5 submissions from 5 submitters: Uncertain significance (4); Likely benign (1). Last evaluated 2026-01-26.
ClinVar aggregate classification (somatic clinical impact): Tier II - Potential (1 of 4 stars; one submission).

Conditions:
Hereditary cancer-predisposing syndrome. Also called: Hereditary Cancer Syndrome; Neoplastic Syndromes, Hereditary; Tumor predisposition; Hereditary neoplastic syndrome. Identifiers: Orphanet 140162, MedGen C0027672, MeSH D009386, MONDO:0015356.
Rhabdoid tumor predisposition syndrome 2 (RTPS2). Identifiers: Orphanet 231108, Orphanet 69077, MedGen C2750074, MONDO:0013224, OMIM 613325.
Intellectual disability, autosomal dominant 16 (CSS4). Also called: COFFIN-SIRIS SYNDROME 4. Identifiers: Orphanet 1465, MedGen C3553249, MONDO:0013821, OMIM 614609.
Medulloblastoma non-WNT/non-SHH group 3. Identifiers: MedGen C4330665, MONDO:0956966.

Allele frequency attached by ClinVar (database versions not stated): gnomAD exomes 0.00001; TOPMed 0.00002.

Submissions (6):

Labcorp Genetics (formerly Invitae), Labcorp
Classification: Uncertain significance for Rhabdoid tumor predisposition syndrome 2. Last evaluated: 2026-01-26. Review status: criteria provided, single submitter. Criteria: Invitae Variant Classification Sherloc (09022015). Collection method: clinical testing. Allele origin: germline.
Comment: This sequence change replaces arginine, which is basic and polar, with cysteine, which is neutral and slightly polar, at codon 1419 of the SMARCA4 protein (p.Arg1419Cys). The frequency data for this variant in the population databases is considered unreliable, as metrics indicate poor data quality at this position in the gnomAD database. This variant has not been reported in the literature in individuals affected with SMARCA4-related conditions. ClinVar contains an entry for this variant (Variation ID: 480587). An algorithm developed to predict the effect of missense changes on protein structure and function (PolyPhen-2) suggests that this variant is likely to be tolerated. In summary, the available evidence is currently insufficient to determine the role of this variant in disease. Therefore, it has been classified as a Variant of Uncertain Significance.

Institute for Genomic Medicine (IGM) Clinical Laboratory, Nationwide Children's Hospital
Classification: Tier II - Potential for Medulloblastoma non-WNT/non-SHH group 3. Assertion type: diagnostic. Clinical significance: supports diagnosis. Last evaluated: 2024-08-22. Review status: criteria provided, single submitter. Criteria: AMP/ASCO/CAP Guidelines, 2017. Collection method: clinical testing. Allele origin: somatic. Affected: yes.
Comment: Variant has Tier II (potential) clinical significance as a diagnostic inclusion criterion in medulloblastoma non-WNT/non-SHH group 3, based on the following evidence: 1) Appears in one or more well-established professional guidelines (e.g., World Health Organization [WHO]; National Comprehensive Cancer Network [NCCN]) as providing diagnostic, prognostic, or therapeutic information. 2) Diagnostic significance based on multiple small studies (Evidence Level C; PMIDs: 21163964, 28726821, 22820256, 22832583, 22722829, 23432644).

Ambry Genetics
Classification: Likely benign for Hereditary cancer-predisposing syndrome. Last evaluated: 2022-11-15. Review status: criteria provided, single submitter. Criteria: Ambry Variant Classification Scheme 2023. Collection method: clinical testing. Allele origin: germline.

Fulgent Genetics
Classification: Uncertain significance for Rhabdoid tumor predisposition syndrome 2; Intellectual disability, autosomal dominant 16. Last evaluated: 2022-02-25. Review status: criteria provided, single submitter. Criteria: ACMG Guidelines, 2015. Collection method: clinical testing. Allele origin: unknown.

GeneDx
Classification: Uncertain significance. Last evaluated: 2021-04-14. Review status: criteria provided, single submitter. Criteria: GeneDx Variant Classification Process June 2021. Collection method: clinical testing. Allele origin: germline. Affected: yes.
Comment: Not observed in large population cohorts (Lek et al., 2016); In silico analysis supports that this missense variant does not alter protein structure/function; Has not been previously published as pathogenic or benign to our knowledge

Sema4
Classification: Uncertain significance for Hereditary cancer-predisposing syndrome. Last evaluated: 2021-04-14. Review status: criteria provided, single submitter. Criteria: Sema4 Curation Guidelines. Collection method: curation. Allele origin: germline.
Comment: The SMARCA4 c.4255C>T (p.R1419C) variant has not been reported in the literature to our knowledge. It was observed in 1/27188 chromosomes of the South Asian subpopulation in the large and broad cohorts of the Genome Aggregation Database (PMID: 32461654). The variant has been reported in ClinVar (Variation ID 480587). In silico tools suggest the impact of the variant on protein function is inconclusive, though these predictions have not been confirmed by functional studies. The evidence is insufficient to meet ACMG/AMP criteria for classifying the variant as benign or pathogenic. Thus, the clinical significance of this variant is currently uncertain.

Literature cited by the submitters: PubMed 21163964 (cited by Institute for Genomic Medicine (IGM) Clinical Laboratory, Nationwide Children's Hospital); PubMed 28726821 (cited by Institute for Genomic Medicine (IGM) Clinical Laboratory, Nationwide Children's Hospital); PubMed 22820256 (cited by Institute for Genomic Medicine (IGM) Clinical Laboratory, Nationwide Children's Hospital); PubMed 22832583 (cited by Institute for Genomic Medicine (IGM) Clinical Laboratory, Nationwide Children's Hospital); PubMed 22722829 (cited by Institute for Genomic Medicine (IGM) Clinical Laboratory, Nationwide Children's Hospital); PubMed 23432644 (cited by Institute for Genomic Medicine (IGM) Clinical Laboratory, Nationwide Children's Hospital).

NM_001387283.1(SMARCA4):c.4255C>T (p.Arg1419Cys)

Gene: SMARCA4 (SWI/SNF related BAF chromatin remodeling complex subunit ATPase 4; plus strand). Cytogenetic location: 19p13.2.
Variant type: single nucleotide variant.
Coding change: c.4255C>T on transcript NM_001387283.1 (MANE Plus Clinical); coding-DNA position 4255, C replaced by T.
Protein change: p.Arg1419Cys; replaces arginine 1419 with cysteine.
Molecular consequence: missense variant. On other transcripts: intron variant (7).
Genome position (GRCh38, 1-based): chr19:11,039,542, C>T. VCF-style: chr19-11039542-C-T. GRCh37 (hg19) VCF-style: chr19-11150218-C-T.
Other names: c.4255C>T, p.Arg1419Cys (NM_001128849.3); c.4171-1765C>T (NM_001128844.3, NM_003072.5); c.4072-1765C>T (NM_001128847.4, NM_001374457.1, NM_001128848.2); c.4072-1756C>T (NM_001128845.2, NM_001128846.2); c.4255C>T (NM_001128849.2); short protein forms R1419C.
Identifiers: ClinVar variation 480587 (VCV000480587.21), dbSNP rs1056234449, ClinGen allele CA305293360.